The following is an entry in ClinVar:

NM_001715.3(BLK):c.16A>G (p.Ser6Gly)

Gene: BLK (BLK proto-oncogene, Src family tyrosine kinase). Cytogenetic location: 8p23.1.
Variant type: single nucleotide variant.
Coding change: c.16A>G on transcript NM_001715.3 (MANE Select); coding-DNA position 16, A replaced by G.
Protein change: p.Ser6Gly; replaces serine 6 with glycine.
Molecular consequence: missense variant. On other transcripts: intron variant (1).
Genome position (GRCh38, 1-based): chr8:11,543,240, A>G. VCF-style: chr8-11543240-A-G. GRCh37 (hg19) VCF-style: chr8-11400749-A-G.
Other names: c.-90-2812A>G (NM_001330465.2); short protein forms S6G.
Identifiers: ClinVar variation 3614870 (VCV003614870.2).

ClinVar aggregate classification (germline): Uncertain significance (1 of 4 stars; one submission).

Submission:

Labcorp Genetics (formerly Invitae), Labcorp
Classification: Uncertain significance. Last evaluated: 2024-02-09. Review status: criteria provided, single submitter. Criteria: Invitae Variant Classification Sherloc (09022015). Collection method: clinical testing. Allele origin: germline.
Comment: This sequence change replaces serine, which is neutral and polar, with glycine, which is neutral and non-polar, at codon 6 of the BLK protein (p.Ser6Gly). This variant is not present in population databases (gnomAD no frequency). This variant has not been reported in the literature in individuals affected with BLK-related conditions. An algorithm developed to predict the effect of missense changes on protein structure and function (PolyPhen-2) suggests that this variant is likely to be disruptive. In summary, the available evidence is currently insufficient to determine the role of this variant in disease. Therefore, it has been classified as a Variant of Uncertain Significance.